The following is an entry in ClinVar:

NM_001349206.2(LPIN1):c.*1604T>C

Gene: LPIN1 (lipin 1; plus strand). Cytogenetic location: 2p25.1.
Variant type: single nucleotide variant.
Coding change: c.*1604T>C on transcript NM_001349206.2 (MANE Select); 1604 bases downstream of the stop codon, T replaced by C.
Molecular consequence: 3 prime UTR variant. On other transcripts: non-coding transcript variant (1).
Genome position (GRCh38, 1-based): chr2:11,826,395, T>C. VCF-style: chr2-11826395-T-C. GRCh37 (hg19) VCF-style: chr2-11966521-T-C.
Other names: c.*1604T>C (NM_001261427.3, NM_001261428.3, NM_001349199.2 and 9 more transcripts).
Identifiers: ClinVar variation 893321 (VCV000893321.4), dbSNP rs534753112, ClinGen allele CA42598957.

ClinVar aggregate classification (germline): Likely benign (1 of 4 stars; one submission).

Conditions:
Myoglobinuria, acute recurrent, autosomal recessive. Also called: Myoglobinuria, recurrent, autosomal recessive; MYOGLOBINURIA, FAMILIAL PAROXYSMAL PARALYTIC; RHABDOMYOLYSIS, ACUTE RECURRENT. Identifiers: Orphanet 99845, MedGen C1849386, MONDO:0009992, OMIM 268200.

Allele frequency attached by ClinVar (database versions not stated): gnomAD 0.00043 and 0.00044; TOPMed 0.00045; 1000 Genomes Project 0.00060; 1000 Genomes Project 30x 0.00078.
gnomAD v4.1: 64 of 152,350 alleles (0.042%); highest among the groups gnomAD compares: African/African-American, 0.15%; no homozygotes.

Submission:

Illumina Laboratory Services, Illumina
Classification: Likely benign for Myoglobinuria, acute recurrent, autosomal recessive. Last evaluated: 2018-01-13. Review status: criteria provided, single submitter. Criteria: ICSL Variant Classification Criteria 13 December 2019. Collection method: clinical testing. Allele origin: germline.
Comment: This variant was observed in the ICSL laboratory as part of a predisposition screen in an ostensibly healthy population. It had not been previously curated by ICSL or reported in the Human Gene Mutation Database (HGMD: prior to June 1st, 2018), and was therefore a candidate for classification through an automated scoring system. Utilizing variant allele frequency, disease prevalence and penetrance estimates, and inheritance mode, an automated score was calculated to assess if this variant is too frequent to cause the disease. Based on the score and internal cut-off values, a variant classified as likely benign is not then subjected to further curation. The score for this variant resulted in a classification of likely benign for this disease.